The following is an entry in ClinVar:

NM_000077.5(CDKN2A):c.351G>C (p.Leu117=)

Gene: CDKN2A (cyclin dependent kinase inhibitor 2A; minus strand). Cytogenetic location: 9p21.3.
Variant type: single nucleotide variant.
Coding change: c.351G>C on transcript NM_000077.5; coding-DNA position 351, G replaced by C.
Protein change: p.Leu117=; no amino-acid change (leucine 117 retained).
Molecular consequence: synonymous variant (on NM_000077.6). On other transcripts: missense variant (1), 3 prime UTR variant (1).
Genome position (GRCh38, 1-based): chr9:21,971,008, C>G on the plus strand (G>C on the coding strand, the complement: CDKN2A is on the minus strand). VCF-style: chr9-21971008-C-G. GRCh37 (hg19) VCF-style: chr9-21971007-C-G.
Other names: c.351G>C, p.Leu117= (NM_000077.6, NM_001195132.2); c.198G>C, p.Leu66= (NM_001363763.2); c.394G>C, p.Gly132Arg (NM_058195.4); c.*274G>C (NM_058197.5); short protein forms G132R.
Identifiers: ClinVar variation 463517 (VCV000463517.17), dbSNP rs1060504182, ClinGen allele CA373086003.

ClinVar aggregate classification (germline): Conflicting classifications of pathogenicity. Review status: criteria provided, conflicting classifications (1 of 4 stars). 4 submissions from 4 submitters: Uncertain significance (2); Likely benign (2). Last evaluated 2026-02-03.

Conditions:
Familial melanoma. Also called: Hereditary melanoma; Hereditary cutaneous melanoma. Identifiers: Orphanet 618, MedGen C1512419, MONDO:0018961.
Hereditary cancer-predisposing syndrome. Also called: Hereditary neoplastic syndrome; Neoplastic Syndromes, Hereditary; Hereditary Cancer Syndrome; Tumor predisposition. Identifiers: Orphanet 140162, MedGen C0027672, MeSH D009386, MONDO:0015356.

Allele frequency attached by ClinVar (database versions not stated): gnomAD 0.00001.

Submissions (4):

Labcorp Genetics (formerly Invitae), Labcorp
Classification: Likely benign for Familial melanoma. Last evaluated: 2026-02-03. Review status: criteria provided, single submitter. Criteria: Invitae Variant Classification Sherloc (09022015). Collection method: clinical testing. Allele origin: germline.

Color Diagnostics, LLC DBA Color Health
Classification: Likely benign for Hereditary cancer-predisposing syndrome. Last evaluated: 2025-10-09. Review status: criteria provided, single submitter. Criteria: ACMG Guidelines, 2015. Collection method: clinical testing. Allele origin: germline.

Ambry Genetics
Classification: Uncertain significance for Hereditary cancer-predisposing syndrome. Last evaluated: 2025-06-18. Review status: criteria provided, single submitter. Criteria: Ambry Variant Classification Scheme 2023. Collection method: clinical testing. Allele origin: germline.
Comment: The c.351G>C variant (also known as p.L117L), located in coding exon 2 of the CDKN2A gene, results from a G to C substitution at nucleotide position 351 and does not change the amino acid at position 117 of the p16 isoform. Of note, this variant is also known as p.G132R (c.394G>C) in the p14(ARF) isoform and results from a glycine to arginine substitution at amino acid position 132. The evidence supporting a relationship between p14(ARF) and melanoma-pancreatic cancer syndrome is limited; therefore, the association of this variant with this gene-disease relationship is unknown. However, the association of this variant in the p16 isoform with melanoma-pancreatic cancer syndrome is unlikely.

GeneDx
Classification: Uncertain significance. Last evaluated: 2023-01-17. Review status: criteria provided, single submitter. Criteria: GeneDx Variant Classification Process June 2021. Collection method: clinical testing. Allele origin: germline. Affected: yes.
Comment: Not observed at significant frequency in large population cohorts (gnomAD); In silico analysis supports that this missense variant does not alter protein structure/function; Has not been previously published as pathogenic or benign to our knowledge; Reported using an alternate transcript of the gene